The following is an entry in ClinVar:

NM_000363.5(TNNI3):c.275A>G (p.Glu92Gly)

Gene: TNNI3 (troponin I3, cardiac type; minus strand). Cytogenetic location: 19q13.42.
Variant type: single nucleotide variant.
Coding change: c.275A>G on transcript NM_000363.5 (MANE Select); coding-DNA position 275, A replaced by G.
Protein change: p.Glu92Gly; replaces glutamic acid 92 with glycine.
Molecular consequence: missense variant.
Genome position (GRCh38, 1-based): chr19:55,156,208, T>C on the plus strand (A>G on the coding strand, the complement: TNNI3 is on the minus strand). VCF-style: chr19-55156208-T-C. GRCh37 (hg19) VCF-style: chr19-55667576-T-C.
Other names: short protein forms E92G.
Identifiers: ClinVar variation 3386098 (VCV003386098.1).

ClinVar aggregate classification (germline): Uncertain significance (1 of 4 stars; one submission).

Conditions:
Hypertrophic cardiomyopathy. Also called: HYPERTROPHIC MYOCARDIOPATHY. Identifiers: Orphanet 217569, MedGen C0007194, MeSH D002312, MONDO:0005045, HP:0001639.

gnomAD v4.1: 1 of 1,612,604 alleles (0.000062%); highest among the groups gnomAD compares: African/African-American, 0.0013%; no homozygotes.

Submission:

All of Us Research Program, National Institutes of Health
Classification: Uncertain significance for Hypertrophic cardiomyopathy. Last evaluated: 2024-03-24. Review status: criteria provided, single submitter. Criteria: ACMG Guidelines, 2015. Collection method: clinical testing. Allele origin: germline. Inheritance: Autosomal dominant inheritance. Observed: 1 variant allele, 1 heterozygote.
Comment: This missense variant replaces glutamic acid with glycine at codon 92 of the TNNI3 protein. Computational prediction is inconclusive regarding the impact of this variant on protein structure and function (internally defined REVEL score threshold 0.5 < inconclusive < 0.7, PMID: 27666373). To our knowledge, functional studies have not been reported for this variant. This variant has not been reported in individuals affected with TNNI3-related disorders in the literature. This variant has not been identified in the general population by the Genome Aggregation Database (gnomAD). The available evidence is insufficient to determine the role of this variant in disease conclusively. Therefore, this variant is classified as a Variant of Uncertain Significance.

This study involves interpretation of variants in research participants for the purpose of population health screening. Participant phenotype was not available at the time of variant classification. Additional details can be found in publication PMID: 35346344, PMCID: PMC8962531